The following is an entry in ClinVar:

ClinVar aggregate classification (germline): Uncertain significance. Review status: criteria provided, multiple submitters, no conflicts (2 of 4 stars). 2 submissions from 2 submitters: Uncertain significance (2). Last evaluated 2025-10-05.

Conditions:
Hereditary cancer-predisposing syndrome. Also called: Neoplastic Syndromes, Hereditary; Tumor predisposition; Hereditary Cancer Syndrome; Hereditary neoplastic syndrome. Identifiers: Orphanet 140162, MedGen C0027672, MeSH D009386, MONDO:0015356.
Gastrointestinal stromal tumor. Also called: Gastrointestinal stromal tumor, somatic; Gastrointestinal stroma tumor. Identifiers: Orphanet 44890, MedGen C0238198, MeSH D046152, MONDO:0011719, OMIM 606764, HP:0100723.

Allele frequency attached by ClinVar (database versions not stated): gnomAD exomes below 0.00001; TOPMed below 0.00001; ExAC 0.00001; gnomAD 0.00001.
gnomAD v4.1: 2 of 1,613,886 alleles (0.00012%); highest among the groups gnomAD compares: African/African-American, 0.0013%; no homozygotes.

Submissions (2):

Ambry Genetics
Classification: Uncertain significance for Hereditary cancer-predisposing syndrome. Last evaluated: 2025-10-05. Review status: criteria provided, single submitter. Criteria: Ambry Variant Classification Scheme 2023. Collection method: clinical testing. Allele origin: germline.
Comment: The p.V214M variant (also known as c.640G>A), located in coding exon 4 of the KIT gene, results from a G to A substitution at nucleotide position 640. The valine at codon 214 is replaced by methionine, an amino acid with highly similar properties. This amino acid position is conserved. In addition, the in silico prediction for this alteration is inconclusive. Since supporting evidence is limited at this time, the clinical significance of this alteration remains unclear.

Labcorp Genetics (formerly Invitae), Labcorp
Classification: Uncertain significance for Gastrointestinal stromal tumor. Last evaluated: 2025-07-30. Review status: criteria provided, single submitter. Criteria: Invitae Variant Classification Sherloc (09022015). Collection method: clinical testing. Allele origin: germline.
Comment: This sequence change replaces valine, which is neutral and non-polar, with methionine, which is neutral and non-polar, at codon 214 of the KIT protein (p.Val214Met). This variant is present in population databases (rs775569383, gnomAD 0.007%). This variant has not been reported in the literature in individuals affected with KIT-related conditions. ClinVar contains an entry for this variant (Variation ID: 848096). An algorithm developed to predict the effect of missense changes on protein structure and function (PolyPhen-2) suggests that this variant is likely to be disruptive. In summary, the available evidence is currently insufficient to determine the role of this variant in disease. Therefore, it has been classified as a Variant of Uncertain Significance.

NM_000222.3(KIT):c.640G>A (p.Val214Met)

Gene: KIT (KIT proto-oncogene, receptor tyrosine kinase; plus strand). Cytogenetic location: 4q12.
Variant type: single nucleotide variant.
Coding change: c.640G>A on transcript NM_000222.3 (MANE Select); coding-DNA position 640, G replaced by A.
Protein change: p.Val214Met; replaces valine 214 with methionine.
Molecular consequence: missense variant.
Genome position (GRCh38, 1-based): chr4:54,699,650, G>A. VCF-style: chr4-54699650-G-A. GRCh37 (hg19) VCF-style: chr4-55565816-G-A.
Other names: c.640G>A, p.Val214Met (NM_001093772.2, NM_001385284.1, NM_001385285.1 and 4 more transcripts); short protein forms V214M.
Identifiers: ClinVar variation 848096 (VCV000848096.10), dbSNP rs775569383, ClinGen allele CA2923290.